The following is an entry in ClinVar:

ClinVar aggregate classification (germline): Likely benign. Review status: criteria provided, multiple submitters, no conflicts (2 of 4 stars). 2 submissions from 2 submitters: Likely benign (2). Last evaluated 2024-11-01.

Conditions:
Charcot-Marie-Tooth disease axonal type 2P. Also called: CHARCOT-MARIE-TOOTH DISEASE, AXONAL, TYPE 2G; CMT 2G; CHARCOT-MARIE-TOOTH NEUROPATHY, TYPE 2P; Charcot-Marie-Tooth Neuropathy Type 2G. Identifiers: Orphanet 300319, Orphanet 99941, MedGen C3280797, MONDO:0013753, OMIM 614436.

Allele frequency attached by ClinVar (database versions not stated): gnomAD exomes below 0.00001; TOPMed 0.00001.

Submissions (2):

CeGaT Center for Human Genetics Tuebingen
Classification: Likely benign. Last evaluated: 2024-11-01. Review status: criteria provided, single submitter. Criteria: CeGaT Center For Human Genetics Tuebingen Variant Classification Criteria Version 2. Collection method: clinical testing. Allele origin: germline. Affected: yes. Observed: 1 variant allele.
Comment: LRSAM1: BP4, BP7

Labcorp Genetics (formerly Invitae), Labcorp
Classification: Likely benign for Charcot-Marie-Tooth disease axonal type 2P. Last evaluated: 2022-10-18. Review status: criteria provided, single submitter. Criteria: Invitae Variant Classification Sherloc (09022015). Collection method: clinical testing. Allele origin: germline.

NM_001005373.4(LRSAM1):c.549G>A (p.Ser183=)

Gene: LRSAM1 (leucine rich repeat and sterile alpha motif containing 1; plus strand). Cytogenetic location: 9q33.3.
Variant type: single nucleotide variant.
Coding change: c.549G>A on transcript NM_001005373.4 (MANE Select); coding-DNA position 549, G replaced by A.
Protein change: p.Ser183=; no amino-acid change (serine 183 retained).
Molecular consequence: synonymous variant. On other transcripts: 5 prime UTR variant (1), non-coding transcript variant (2).
Genome position (GRCh38, 1-based): chr9:127,467,760, G>A. VCF-style: chr9-127467760-G-A. GRCh37 (hg19) VCF-style: chr9-130230039-G-A.
Other names: c.549G>A, p.Ser183= (NM_001005374.4, NM_001190723.3, NM_001384142.1 and 2 more transcripts); c.-236G>A (NM_001384144.1).
Identifiers: ClinVar variation 1078267 (VCV001078267.23), dbSNP rs1459773762, ClinGen allele CA467222367.